The following is an entry in ClinVar:

NM_001127898.4(CLCN5):c.845del (p.Gly282fs)

Gene: CLCN5 (chloride voltage-gated channel 5; plus strand). Cytogenetic location: Xp11.23.
Variant type: Deletion.
Coding change: c.845del on transcript NM_001127898.4 (MANE Select); coding-DNA position 845, one base deleted (G; older notation c.845delG).
Protein change: p.Gly282fs; shifts the reading frame from glycine 282.
Molecular consequence: frameshift variant.
Genome position (GRCh38, 1-based): chrX:50,081,759, G deleted; the last of 3 consecutive G bases (chrX:50,081,757-50,081,759); deleting any one gives the same sequence. VCF-style (leftmost placement, unchanged base first): chrX-50081756-AG-A. GRCh37 (hg19) VCF-style: chrX-49846413-AG-A.
Other names: c.635del, p.Gly212fs (NM_000084.5); c.845del, p.Gly282fs (NM_001127899.4); c.695del, p.Gly232fs (NM_001282163.2); short protein forms G232fs, G282fs, G212fs.
Identifiers: ClinVar variation 817241 (VCV000817241.4), dbSNP rs1602123307, ClinGen allele CA915951055.
Genomic context (GRCh38, chrX:50,081,756, plus strand): 5'-TGGTTATCAAAACCATCACCTTGGTGCTGGCAGTGTCATCTGGCTTGAGCCTGGGCAAAG[AG>A]GGCCCTCTAGTGCACGTGGCTTGCTGCTGTGGGAACATCCTGTGCCACTGCTTCAACAAA-3'

ClinVar aggregate classification (germline): Pathogenic. Review status: criteria provided, multiple submitters, no conflicts (2 of 4 stars). 2 submissions from 2 submitters: Pathogenic (2). Last evaluated 2022-12-15.

Submissions (2):

Labcorp Genetics (formerly Invitae), Labcorp
Classification: Pathogenic. Last evaluated: 2022-12-15. Review status: criteria provided, single submitter. Criteria: Invitae Variant Classification Sherloc (09022015). Collection method: clinical testing. Allele origin: germline.
Comment: This variant has not been reported in the literature in individuals affected with CLCN5-related conditions. This variant is not present in population databases (gnomAD no frequency). This sequence change creates a premature translational stop signal (p.Gly212Alafs*3) in the CLCN5 gene. It is expected to result in an absent or disrupted protein product. Loss-of-function variants in CLCN5 are known to be pathogenic (PMID: 22876375, 25907713). ClinVar contains an entry for this variant (Variation ID: 817241). For these reasons, this variant has been classified as Pathogenic. Algorithms developed to predict the effect of sequence changes on RNA splicing suggest that this variant may disrupt the consensus splice site.

GeneDx
Classification: Pathogenic. Last evaluated: 2018-09-13. Review status: criteria provided, single submitter. Criteria: GeneDx Variant Classification (06012015). Collection method: clinical testing. Allele origin: germline. Affected: yes.
Comment: The c.635delG pathogenic variant in the CLCN5 gene causes a frameshift starting with codon Glycine 212, changes this amino acid to an Alanine residue and creates a premature Stop codon at position 3 of the new reading frame, denoted p.Gly212AlafsX3. This pathogenic variant is predicted to cause loss of normal protein function either through protein truncation or nonsense-mediated mRNA decay. The variant is not observed in large population cohorts (Lek et al., 2016). Although this pathogenic variant has not been previously reported to our knowledge, its presence is consistent with the diagnosis of X-linked recessive nephrolithiasis.

Literature cited by the submitters: PubMed 22876375 (cited by Labcorp Genetics (formerly Invitae), Labcorp); PubMed 25907713 (cited by Labcorp Genetics (formerly Invitae), Labcorp).